The following is an entry in ClinVar:

ClinVar aggregate classification (germline): Uncertain significance. Review status: criteria provided, multiple submitters, no conflicts (2 of 4 stars). 3 submissions from 3 submitters: Uncertain significance (3). Last evaluated 2025-09-01.

Conditions:
Inborn genetic diseases. Identifiers: MedGen C0950123, MeSH D030342.
Nemaline myopathy 2 (NEM2). Also called: Nemaline myopathy 2, autosomal recessive. Identifiers: MedGen C1850569, MONDO:0009725, OMIM 256030.

Allele frequency attached by ClinVar (database versions not stated): TOPMed below 0.00001; gnomAD exomes 0.00001; ExAC 0.00008.
gnomAD v4.1: 18 of 1,582,360 alleles (0.0011%); highest among the groups gnomAD compares: Non-Finnish European, 0.0015%; no homozygotes.

Submissions (3):

Ambry Genetics
Classification: Uncertain significance for Inborn genetic diseases. Last evaluated: 2025-09-01. Review status: criteria provided, single submitter. Criteria: Ambry Variant Classification Scheme 2023. Collection method: clinical testing. Allele origin: germline.

Labcorp Genetics (formerly Invitae), Labcorp
Classification: Uncertain significance for Nemaline myopathy 2. Last evaluated: 2022-01-13. Review status: criteria provided, single submitter. Criteria: Invitae Variant Classification Sherloc (09022015). Collection method: clinical testing. Allele origin: germline.
Comment: This sequence change replaces threonine, which is neutral and polar, with isoleucine, which is neutral and non-polar, at codon 6944 of the NEB protein (p.Thr6944Ile). The frequency data for this variant in the population databases is considered unreliable, as metrics indicate poor data quality at this position in the gnomAD database. This variant has not been reported in the literature in individuals affected with NEB-related conditions. ClinVar contains an entry for this variant (Variation ID: 1302245). Algorithms developed to predict the effect of missense changes on protein structure and function are either unavailable or do not agree on the potential impact of this missense change (SIFT: "Deleterious"; PolyPhen-2: "Not Available"; Align-GVGD: "Class C0"). In summary, the available evidence is currently insufficient to determine the role of this variant in disease. Therefore, it has been classified as a Variant of Uncertain Significance.

GeneDx
Classification: Uncertain significance. Last evaluated: 2019-04-03. Review status: criteria provided, single submitter. Criteria: GeneDx Variant Classification Process June 2021. Collection method: clinical testing. Allele origin: germline. Affected: yes.
Comment: Not observed at a significant frequency in large population cohorts (Lek et al., 2016); In silico analysis, which includes protein predictors and evolutionary conservation, supports a deleterious effect; Missense variant in a gene in which most reported pathogenic variants are truncating/loss-of-function; Has not been previously published as pathogenic or benign to our knowledge

NM_001164508.2(NEB):c.20831C>T (p.Thr6944Ile)

Gene: NEB (nebulin; minus strand). Cytogenetic location: 2q23.3.
Variant type: single nucleotide variant.
Coding change: c.20831C>T on transcript NM_001164508.2 (MANE Select); coding-DNA position 20831, C replaced by T.
Protein change: p.Thr6944Ile; replaces threonine 6944 with isoleucine.
Molecular consequence: missense variant.
Genome position (GRCh38, 1-based): chr2:151,540,405, G>A on the plus strand (C>T on the coding strand, the complement: NEB is on the minus strand). VCF-style: chr2-151540405-G-A. GRCh37 (hg19) VCF-style: chr2-152396919-G-A.
Other names: c.20831C>T, p.Thr6944Ile (NM_001164507.2, NM_001271208.2); c.15728C>T, p.Thr5243Ile (NM_004543.5); c.15728C>T (NM_004543.4); short protein forms T5243I, T6944I.
Identifiers: ClinVar variation 1302245 (VCV001302245.4), dbSNP rs763942330, ClinGen allele CA1907156.